The following is an entry in ClinVar:

ClinVar aggregate classification (germline): Uncertain significance. Review status: criteria provided, multiple submitters, no conflicts (2 of 4 stars). 5 submissions from 5 submitters: Uncertain significance (5). Last evaluated 2025-07-06.

Conditions:
Cardiovascular phenotype. Identifiers: MedGen CN230736.
Cardiomyopathy (CMYO). Also called: Cardiomyopathies. Identifiers: Orphanet 167848, MedGen C0878544, MONDO:0004994, HP:0001638. Inheritance: Various modes of inheritance.
Lethal congenital glycogen storage disease of heart. Also called: GLYCOGEN STORAGE DISEASE OF HEART; PHOSPHORYLASE KINASE DEFICIENCY OF HEART. Identifiers: Orphanet 439854, MedGen C1849813, MONDO:0009867, OMIM 261740.
Hypertrophic cardiomyopathy. Also called: HYPERTROPHIC MYOCARDIOPATHY. Identifiers: Orphanet 217569, MedGen C0007194, MeSH D002312, MONDO:0005045, HP:0001639.

gnomAD v4.1: 10 of 1,614,110 alleles (0.00062%); highest among the groups gnomAD compares: Admixed American, 0.0067%; no homozygotes.

Submissions (5):

Labcorp Genetics (formerly Invitae), Labcorp
Classification: Uncertain significance for Lethal congenital glycogen storage disease of heart. Last evaluated: 2025-07-06. Review status: criteria provided, single submitter. Criteria: Invitae Variant Classification Sherloc (09022015). Collection method: clinical testing. Allele origin: germline.
Comment: This sequence change replaces arginine, which is basic and polar, with leucine, which is neutral and non-polar, at codon 186 of the PRKAG2 protein (p.Arg186Leu). This variant is present in population databases (no rsID available, gnomAD 0.009%). This variant has not been reported in the literature in individuals affected with PRKAG2-related conditions. ClinVar contains an entry for this variant (Variation ID: 961660). Invitae Evidence Modeling of protein sequence and biophysical properties (such as structural, functional, and spatial information, amino acid conservation, physicochemical variation, residue mobility, and thermodynamic stability) indicates that this missense variant is not expected to disrupt PRKAG2 protein function with a negative predictive value of 95%. In summary, the available evidence is currently insufficient to determine the role of this variant in disease. Therefore, it has been classified as a Variant of Uncertain Significance.

All of Us Research Program, National Institutes of Health
Classification: Uncertain significance for Hypertrophic cardiomyopathy. Last evaluated: 2024-02-22. Review status: criteria provided, single submitter. Criteria: ACMG Guidelines, 2015. Collection method: clinical testing. Allele origin: germline. Inheritance: Autosomal dominant inheritance. Observed: 2 variant alleles, 2 heterozygotes.
Comment: This missense variant replaces arginine with leucine at codon 186 of the PRKAG2 protein. Computational prediction is inconclusive regarding the impact of this variant on protein structure and function (internally defined REVEL score threshold 0.5 < inconclusive < 0.7, PMID: 27666373). To our knowledge, functional studies have not been reported for this variant. This variant has not been reported in individuals affected with cardiovascular disorders in the literature. This variant has been identified in 5/251484 chromosomes in the general population by the Genome Aggregation Database (gnomAD). The available evidence is insufficient to determine the role of this variant in disease conclusively. Therefore, this variant is classified as a Variant of Uncertain Significance.

This study involves interpretation of variants in research participants for the purpose of population health screening. Participant phenotype was not available at the time of variant classification. Additional details can be found in publication PMID: 35346344, PMCID: PMC8962531

Color Diagnostics, LLC DBA Color Health
Classification: Uncertain significance for Cardiomyopathy. Last evaluated: 2024-02-06. Review status: criteria provided, single submitter. Criteria: ACMG Guidelines, 2015. Collection method: clinical testing. Allele origin: germline.
Comment: This missense variant replaces arginine with leucine at codon 186 of the PRKAG2 protein. Computational prediction tools indicate that this variant's impact on protein structure and function is inconclusive. To our knowledge, functional studies have not been reported for this variant. This variant has not been reported in individuals affected with PRKAG2-related disorders in the literature. This variant has been identified in 5/251484 chromosomes in the general population by the Genome Aggregation Database (gnomAD). The available evidence is insufficient to determine the role of this variant in disease conclusively. Therefore, this variant is classified as a Variant of Uncertain Significance.

Ambry Genetics
Classification: Uncertain significance for Cardiovascular phenotype. Last evaluated: 2022-11-27. Review status: criteria provided, single submitter. Criteria: Ambry Variant Classification Scheme 2023. Collection method: clinical testing. Allele origin: germline.
Comment: The p.R186L variant (also known as c.557G>T), located in coding exon 4 of the PRKAG2 gene, results from a G to T substitution at nucleotide position 557. The arginine at codon 186 is replaced by leucine, an amino acid with dissimilar properties. This amino acid position is conserved. In addition, this alteration is predicted to be deleterious by in silico analysis. Since supporting evidence is limited at this time, the clinical significance of this alteration remains unclear.

GeneDx
Classification: Uncertain significance. Last evaluated: 2022-08-29. Review status: criteria provided, single submitter. Criteria: GeneDx Variant Classification Process June 2021. Collection method: clinical testing. Allele origin: germline. Affected: yes.
Comment: Has not been previously published as pathogenic or benign to our knowledge; Not observed at significant frequency in large population cohorts (gnomAD); In silico analysis supports that this missense variant does not alter protein structure/function

NM_016203.4(PRKAG2):c.557G>T (p.Arg186Leu)

Gene: PRKAG2 (protein kinase AMP-activated non-catalytic subunit gamma 2; minus strand). Cytogenetic location: 7q36.1.
Variant type: single nucleotide variant.
Coding change: c.557G>T on transcript NM_016203.4 (MANE Select); coding-DNA position 557, G replaced by T.
Protein change: p.Arg186Leu; replaces arginine 186 with leucine.
Molecular consequence: missense variant.
Genome position (GRCh38, 1-based): chr7:151,675,547, C>A on the plus strand (G>T on the coding strand, the complement: PRKAG2 is on the minus strand). VCF-style: chr7-151675547-C-A. GRCh37 (hg19) VCF-style: chr7-151372633-C-A.
Other names: c.425G>T, p.Arg142Leu (NM_001040633.2); c.185G>T, p.Arg62Leu (NM_001304527.2, NM_001363698.2); short protein forms R142L, R186L, R62L.
Identifiers: ClinVar variation 961660 (VCV000961660.18), dbSNP rs145006140, ClinGen allele CA169447540.